The following is an entry in ClinVar:

NM_001673.5(ASNS):c.1465G>A (p.Val489Ile)

Genes: ASNS (asparagine synthetase (glutamine-hydrolyzing); minus strand), CZ1P-ASNS (CZ1P-ASNS readthrough; minus strand). Cytogenetic location: 7q21.3.
Variant type: single nucleotide variant.
Coding change: c.1465G>A on transcript NM_001673.5 (MANE Select); coding-DNA position 1465, G replaced by A.
Protein change: p.Val489Ile; replaces valine 489 with isoleucine.
Molecular consequence: missense variant. On other transcripts: non-coding transcript variant (1).
Genome position (GRCh38, 1-based): chr7:97,853,071, C>T on the plus strand (G>A on the coding strand, the complement: ASNS is on the minus strand). VCF-style: chr7-97853071-C-T. GRCh37 (hg19) VCF-style: chr7-97482383-C-T.
Other names: p.Val489Ile; c.1465G>A, p.Val489Ile (NM_133436.3, NM_001352496.2, NM_183356.4); c.1402G>A, p.Val468Ile (NM_001178075.2); c.1216G>A, p.Val406Ile (NM_001178076.2, NM_001178077.1); c.1465G>A (NM_183356.3); short protein forms V489I, V406I, V468I.
Identifiers: ClinVar variation 445433 (VCV000445433.8), dbSNP rs772079299, ClinGen allele CA4354500.

ClinVar aggregate classification (germline): Conflicting classifications of pathogenicity. Review status: criteria provided, conflicting classifications (1 of 4 stars). 8 submissions from 8 submitters: Uncertain significance (5); Likely benign (2). 1 of the submissions does not count toward it. Last evaluated 2025-11-01.

Conditions:
Inborn genetic diseases. Identifiers: MedGen C0950123, MeSH D030342.
Congenital microcephaly - severe encephalopathy - progressive cerebral atrophy syndrome. Also called: ASNS DEFICIENCY; Asparagine synthetase deficiency. Identifiers: Orphanet 391376, MedGen C3809971, MONDO:0014258, OMIM 615574.

Allele frequency attached by ClinVar (database versions not stated): ExAC 0.00009; gnomAD 0.00010; gnomAD exomes 0.00011; TOPMed 0.00015.
gnomAD v4.1: 375 of 1,579,272 alleles (0.024%); highest among the groups gnomAD compares: Non-Finnish European, 0.031%; no homozygotes.

Submissions (8):

Mayo Clinic Laboratories, Mayo Clinic
Classification: Uncertain significance. Last evaluated: 2025-11-01. Review status: criteria provided, single submitter. Criteria: ACMG Guidelines, 2015. Collection method: clinical testing. Allele origin: germline. Observed: 1 variant allele.
Comment: BP4_moderate, PM2_supporting

Blueprint Genetics
Classification: Likely benign. Last evaluated: 2023-11-16. Review status: criteria provided, single submitter. Criteria: ACMG Guidelines, 2015. Collection method: clinical testing. Allele origin: germline.

Labcorp Genetics (formerly Invitae), Labcorp
Classification: Uncertain significance. Last evaluated: 2022-09-13. Review status: criteria provided, single submitter. Criteria: Invitae Variant Classification Sherloc (09022015). Collection method: clinical testing. Allele origin: germline.
Comment: This sequence change replaces valine, which is neutral and non-polar, with isoleucine, which is neutral and non-polar, at codon 489 of the ASNS protein (p.Val489Ile). This variant is present in population databases (rs772079299, gnomAD 0.02%). This variant has not been reported in the literature in individuals affected with ASNS-related conditions. ClinVar contains an entry for this variant (Variation ID: 445433). Advanced modeling of protein sequence and biophysical properties (such as structural, functional, and spatial information, amino acid conservation, physicochemical variation, residue mobility, and thermodynamic stability) performed at Invitae indicates that this missense variant is not expected to disrupt ASNS protein function. In summary, the available evidence is currently insufficient to determine the role of this variant in disease. Therefore, it has been classified as a Variant of Uncertain Significance.

Ambry Genetics
Classification: Likely benign for Inborn genetic diseases. Last evaluated: 2021-07-13. Review status: criteria provided, single submitter. Criteria: Ambry Variant Classification Scheme 2023. Collection method: clinical testing. Allele origin: germline.

Fulgent Genetics
Classification: Uncertain significance for Congenital microcephaly - severe encephalopathy - progressive cerebral atrophy syndrome. Last evaluated: 2018-10-31. Review status: criteria provided, single submitter. Criteria: ACMG Guidelines, 2015. Collection method: clinical testing. Allele origin: unknown.

Center for Pediatric Genomic Medicine, Children's Mercy Hospital and Clinics
Classification: Uncertain significance. Last evaluated: 2017-05-09. Review status: criteria provided, single submitter. Criteria: ACMG Guidelines, 2015. Collection method: clinical testing. Allele origin: germline.

Breakthrough Genomics
Classification: Uncertain significance. Review status: criteria provided, single submitter. Criteria: ACMG Guidelines, 2015. Collection method: not provided. Allele origin: germline. Inheritance: Autosomal recessive inheritance. Affected: yes.

Natera, Inc.
Classification: Uncertain significance for Asparagine synthetase deficiency. Last evaluated: 2020-01-24. Review status: no assertion criteria provided. Collection method: clinical testing. Allele origin: germline. Not counted in ClinVar's aggregate classification.